The following is an entry in ClinVar:

ClinVar aggregate classification (germline): Likely benign. Review status: criteria provided, single submitter (1 of 4 stars). 2 submissions from 2 submitters: Likely benign (1). 1 of the submissions does not count toward it. Last evaluated 2026-01-05.

Conditions:
TTN-related disorder. Also called: TTN-related condition; TTN-related disease; TTN-related disorders.
Autosomal recessive limb-girdle muscular dystrophy type 2J (LGMDR10). Also called: Limb-girdle muscular dystrophy, type 2J; MUSCULAR DYSTROPHY, LIMB-GIRDLE, AUTOSOMAL RECESSIVE 10. Identifiers: Orphanet 140922, MedGen C1837342, MONDO:0012127, OMIM 608807.
Dilated cardiomyopathy 1G (CMD1G). Identifiers: Orphanet 154, MedGen C1858763, MONDO:0011400, OMIM 604145.

Allele frequency attached by ClinVar (database versions not stated): gnomAD exomes below 0.00001 and 0.00001.
gnomAD v4.1: 4 of 1,613,836 alleles (0.00025%); highest among the groups gnomAD compares: South Asian, 0.0022%; no homozygotes.

Submissions (2):

Labcorp Genetics (formerly Invitae), Labcorp
Classification: Likely benign for Dilated cardiomyopathy 1G; Autosomal recessive limb-girdle muscular dystrophy type 2J. Last evaluated: 2026-01-05. Review status: criteria provided, single submitter. Criteria: Invitae Variant Classification Sherloc (09022015). Collection method: clinical testing. Allele origin: germline.

PreventionGenetics, part of Exact Sciences
Classification: Likely benign for TTN-related condition. Last evaluated: 2020-12-22. Review status: no assertion criteria provided. Collection method: clinical testing. Allele origin: germline. Not counted in ClinVar's aggregate classification.
Comment: This variant is classified as likely benign based on ACMG/AMP sequence variant interpretation guidelines (Richards et al. 2015 PMID: 25741868, with internal and published modifications).

NM_001267550.2(TTN):c.93375T>C (p.Thr31125=)

Genes: TTN (titin; minus strand), TTN-AS1 (TTN antisense RNA 1; plus strand). Cytogenetic location: 2q31.2.
Variant type: single nucleotide variant.
Coding change: c.93375T>C on transcript NM_001267550.2 (MANE Select); coding-DNA position 93375, T replaced by C.
Protein change: p.Thr31125=; no amino-acid change (threonine 31125 retained).
Molecular consequence: synonymous variant.
Genome position (GRCh38, 1-based): chr2:178,548,251, A>G on the plus strand (T>C on the coding strand, the complement: TTN is on the minus strand). VCF-style: chr2-178548251-A-G. GRCh37 (hg19) VCF-style: chr2-179412978-A-G.
Other names: c.88452T>C, p.Thr29484= (NM_001256850.1); c.66180T>C, p.Thr22060= (NM_003319.4); c.85671T>C, p.Thr28557= (NM_133378.4); c.66555T>C, p.Thr22185= (NM_133432.3); c.66756T>C, p.Thr22252= (NM_133437.4).
Identifiers: ClinVar variation 413071 (VCV000413071.11), dbSNP rs1060503936, ClinGen allele CA16610316.
Genomic context (GRCh38, chr2:178,548,251, plus strand): 5'-GATCCGGCTGCCTCCATCGTGGTCAGGTTTAAGCCAAGCTAAGACTGCGGAGGATTTGCT[A>G]GTATCAACAACATCAAGTCTCCTAGGTGGAGCAGGCTGTTCTGTGGCTACAATTGGTTCT-3'
Protein context (NP_001254479.2, residues 31115-31135): APPRRLDVVD[Thr31125=]SKSSAVLAWL